The following is an entry in ClinVar:

ClinVar aggregate classification (germline): Pathogenic (1 of 4 stars; one submission).

Conditions:
Granulomatous disease, chronic, X-linked. Also called: CYTOCHROME b-NEGATIVE GRANULOMATOUS DISEASE, CHRONIC, X-LINKED; GRANULOMATOUS DISEASE, CHRONIC, X-LINKED, SOMATIC MOSAIC. Identifiers: Orphanet 379, MedGen C1844376, MONDO:0010600, OMIM 306400.

Submission:

Labcorp Genetics (formerly Invitae), Labcorp
Classification: Pathogenic for Granulomatous disease, chronic, X-linked. Last evaluated: 2018-04-25. Review status: criteria provided, single submitter. Criteria: Invitae Variant Classification Sherloc (09022015). Collection method: clinical testing. Allele origin: germline.
Comment: This sequence change creates a premature translational stop signal (p.Asn489Thrfs*7) in the CYBB gene. It is expected to result in an absent or disrupted protein product. This variant is not present in population databases (ExAC no frequency). This variant has not been reported in the literature in individuals with CYBB-related disease. Loss-of-function variants in CYBB are known to be pathogenic (PMID: 9585602, 20729109). For these reasons, this variant has been classified as Pathogenic.

Literature cited by the submitters: PubMed 9585602; PubMed 20729109.

NM_000397.4(CYBB):c.1466_1467del (p.Asn489fs)

Gene: CYBB (cytochrome b-245 beta chain; plus strand). Cytogenetic location: Xp11.4.
Variant type: Deletion.
Coding change: c.1466_1467del on transcript NM_000397.4 (MANE Select); coding-DNA positions 1466 to 1467, 2 bases deleted (AT; older notation c.1466_1467delAT).
Protein change: p.Asn489fs; shifts the reading frame from asparagine 489.
Molecular consequence: frameshift variant.
Genome position (GRCh38, 1-based): chrX:37,809,571-37,809,572, AT deleted. VCF-style (leftmost placement, unchanged base first): chrX-37809570-AAT-A. GRCh37 (hg19) VCF-style: chrX-37668823-AAT-A.
Other names: c.1466_1467delAT (NM_000397.3); short protein forms N489fs.
Identifiers: ClinVar variation 574178 (VCV000574178.2), dbSNP rs1569480333, ClinGen allele CA891844238.